The following is an entry in ClinVar:

NM_007194.4(CHEK2):c.252A>G (p.Glu84=)

Gene: CHEK2 (checkpoint kinase 2; minus strand). Cytogenetic location: 22q12.1.
Variant type: single nucleotide variant.
Coding change: c.252A>G on transcript NM_007194.4 (MANE Select); coding-DNA position 252, A replaced by G.
Protein change: p.Glu84=; no amino-acid change (glutamic acid 84 retained).
Molecular consequence: synonymous variant.
Genome position (GRCh38, 1-based): chr22:28,734,470, T>C on the plus strand (A>G on the coding strand, the complement: CHEK2 is on the minus strand). VCF-style: chr22-28734470-T-C. GRCh37 (hg19) VCF-style: chr22-29130458-T-C.
Other names: NP_009125.1:p.Glu84=; p.Glu84=; c.252A>G, p.Glu84= (NM_001005735.3, NM_001349956.3, NM_145862.3); c.-526A>G (NM_001257387.3).
Identifiers: ClinVar variation 142139 (VCV000142139.53), dbSNP rs1805129, ClinGen allele CA167507.
Genomic context (GRCh38, chr22:28,734,470, plus strand): 5'-GGCAAATCCATCCTGAAGGGCCCATAATCGAGCCCAGGGGGCAGGGGTAGGCTCCTCAGG[T>C]TCTTGGTCCTCAGGTTCTTGGTCCTCAGGAATAGAATAGAGTTCCTGAGTGGACACTGTC-3'
Protein context (NP_009125.1, residues 74-94): IPEDQEPEDQ[Glu84=]PEEPTPAPWA

ClinVar aggregate classification (germline): Benign/Likely benign. Review status: criteria provided, multiple submitters, no conflicts (2 of 4 stars). 23 submissions from 22 submitters: Benign (15); Likely benign (1). 7 of the submissions do not count toward it. Last evaluated 2026-02-04.

Conditions:
Hereditary cancer-predisposing syndrome. Also called: Neoplastic Syndromes, Hereditary; Hereditary Cancer Syndrome; Tumor predisposition; Hereditary neoplastic syndrome. Identifiers: Orphanet 140162, MedGen C0027672, MeSH D009386, MONDO:0015356.
Hereditary breast ovarian cancer syndrome. Also called: Hereditary breast and/or ovarian cancer syndrome; Hereditary breast and ovarian cancer syndrome (HBOC); Hereditary breast and ovarian cancer syndrome; Hereditary breast and ovarian cancer; Breast and ovarian cancer; BRCA1- and BRCA2-Associated Hereditary Breast and Ovarian Cancer. Identifiers: Orphanet 145, MedGen C0677776, MeSH D061325, MONDO:0003582. Disease mechanism: loss of function.
CHEK2-related cancer predisposition (TPDS4). Also called: TUMOR PREDISPOSITION SYNDROME 4; CANCER PREDISPOSITION SYNDROME, CHEK2-RELATED; CHEK2-related cancer susceptibility. Identifiers: Orphanet 524, MedGen C5882668, MONDO:0700271, OMIM 609265.
Familial cancer of breast. Also called: Hereditary breast cancer; hereditary breast carcinoma; BREAST CANCER, FAMILIAL. Identifiers: Orphanet 227535, MedGen C0346153, MONDO:0016419, OMIM 114480. Disease mechanism: loss of function.
Malignant tumor of breast. Also called: Malignant breast neoplasm; Cancer breast. Identifiers: MedGen C0006142, MONDO:0007254. Disease mechanism: loss of function.

Allele frequency attached by ClinVar (database versions not stated): gnomAD exomes 0.02850 and 0.03552; ExAC 0.03555; ESP Exome Variant Server 0.03898; gnomAD 0.03959 and 0.04009; TOPMed 0.04033; 1000 Genomes Project 30x 0.04154; 1000 Genomes Project 0.04273.
gnomAD v4.1: 48,224 of 1,612,750 alleles (3%); highest among the groups gnomAD compares: African/African-American, 6.7%; 1,029 homozygotes.

Submissions (23):

Labcorp Genetics (formerly Invitae), Labcorp
Classification: Benign for Familial cancer of breast. Last evaluated: 2026-02-04. Review status: criteria provided, single submitter. Criteria: Invitae Variant Classification Sherloc (09022015). Collection method: clinical testing. Allele origin: germline.

Dasa
Classification: Benign. Last evaluated: 2025-11-04. Review status: criteria provided, single submitter. Criteria: DASA Assertion Criteria. Collection method: clinical testing. Allele origin: germline.
Comment: NM_007194.4(CHEK2):c.252A>G (p.Glu84=) is a synonymous variant predicted not to alter the encoded amino acid sequence. Population frequency is inconsistent with a disease-causing role for this variant, and the variant context is inconsistent with a known disease-causing mechanism. Therefore, based on the currently available evidence, this variant is classified as benign.

ARUP Laboratories, Molecular Genetics and Genomics, ARUP Laboratories
Classification: Benign. Last evaluated: 2025-07-03. Review status: criteria provided, single submitter. Criteria: ARUP Molecular Germline Variant Investigation Process 2024. Collection method: clinical testing. Allele origin: germline.

Center for Genomic Medicine, Rigshospitalet, Copenhagen University Hospital
Classification: Benign. Last evaluated: 2025-03-04. Review status: criteria provided, single submitter. Criteria: ACMG Guidelines, 2015. Collection method: clinical testing. Allele origin: germline.

KCCC/NGS Laboratory, Kuwait Cancer Control Center
Classification: Benign for CHEK2-related cancer predisposition. Last evaluated: 2025-02-01. Review status: criteria provided, single submitter. Criteria: ACMG Guidelines, 2015. Collection method: clinical testing. Allele origin: germline. Affected: no.

Blueprint Genetics
Classification: Likely benign. Last evaluated: 2024-11-28. Review status: criteria provided, single submitter. Criteria: ACMG Guidelines, 2015. Collection method: clinical testing. Allele origin: germline.

KCCC/NGS Laboratory, Kuwait Cancer Control Center
Classification: Benign for Familial cancer of breast. Last evaluated: 2023-07-07. Review status: criteria provided, single submitter. Criteria: ACMG Guidelines, 2015. Collection method: clinical testing. Allele origin: germline. Affected: yes.

Myriad Genetics, Inc.
Classification: Benign for Familial cancer of breast. Last evaluated: 2023-03-09. Review status: criteria provided, single submitter. Criteria: Myriad Autosomal Dominant, Autosomal Recessive and X-Linked Classification Criteria (2023). Collection method: clinical testing. Allele origin: unknown.
Comment: This variant is considered benign. This variant is a silent/synonymous amino acid change and it is not expected to impact splicing.

National Health Laboratory Service, Universitas Academic Hospital and University of the Free State
Classification: Benign for Hereditary breast ovarian cancer syndrome. Last evaluated: 2022-04-19. Review status: criteria provided, single submitter. Criteria: ACMG Guidelines, 2015. Collection method: clinical testing. Allele origin: germline. Affected: yes. Observed: 30 variant alleles.

Illumina Laboratory Services, Illumina
Classification: Benign for CHEK2-Related Cancer Susceptibility. Last evaluated: 2018-01-13. Review status: criteria provided, single submitter. Criteria: ICSL Variant Classification Criteria 13 December 2019. Collection method: clinical testing. Allele origin: germline.
Comment: This variant was observed in the ICSL laboratory as part of a predisposition screen in an ostensibly healthy population. It had not been previously curated by ICSL or reported in the Human Gene Mutation Database (HGMD: prior to June 1st, 2018), and was therefore a candidate for classification through an automated scoring system. Utilizing variant allele frequency, disease prevalence and penetrance estimates, and inheritance mode, an automated score was calculated to assess if this variant is too frequent to cause the disease. Based on the score and internal cut-off values, a variant classified as benign is not then subjected to further curation. The score for this variant resulted in a classification of benign for this disease.

Color Diagnostics, LLC DBA Color Health
Classification: Benign for Hereditary cancer-predisposing syndrome. Last evaluated: 2015-03-31. Review status: criteria provided, single submitter. Criteria: ACMG Guidelines, 2015. Collection method: clinical testing. Allele origin: germline.

GeneDx
Classification: Benign. Last evaluated: 2015-03-03. Review status: criteria provided, single submitter. Criteria: GeneDx Variant Classification Process June 2021. Collection method: clinical testing. Allele origin: germline. Affected: yes.

Mayo Clinic Laboratories, Mayo Clinic
Classification: Benign. Last evaluated: 2014-12-08. Review status: criteria provided, single submitter. Criteria: ACMG Guidelines, 2015. Collection method: clinical testing. Allele origin: germline. Observed: 80 variant alleles.

Ambry Genetics
Classification: Benign for Hereditary cancer-predisposing syndrome. Last evaluated: 2014-11-19. Review status: criteria provided, single submitter. Criteria: Ambry Variant Classification Scheme 2023. Collection method: clinical testing. Allele origin: germline.

Breakthrough Genomics
Classification: Benign. Review status: criteria provided, single submitter. Criteria: ACMG Guidelines, 2015. Collection method: not provided. Allele origin: germline. Inheritance: Autosomal dominant inheritance. Affected: yes.

PreventionGenetics, part of Exact Sciences
Classification: Benign. Review status: criteria provided, single submitter. Criteria: ACMG Guidelines, 2015. Collection method: clinical testing. Allele origin: germline.

True Health Diagnostics
Classification: Benign for Hereditary cancer-predisposing syndrome. Last evaluated: 2018-02-05. Review status: no assertion criteria provided. Collection method: clinical testing. Allele origin: germline. Not counted in ClinVar's aggregate classification.

Counsyl
Classification: Benign for Familial cancer of breast. Last evaluated: 2016-02-25. Review status: no assertion criteria provided. Collection method: clinical testing. Allele origin: unknown. Not counted in ClinVar's aggregate classification.

Clinical Genetics Laboratory, Department of Pathology, Netherlands Cancer Institute
Classification: Benign. Review status: no assertion criteria provided. Collection method: clinical testing. Allele origin: germline. Affected: yes. Study: VKGL Data-share Consensus. Not counted in ClinVar's aggregate classification.

Department of Pathology and Laboratory Medicine, Sinai Health System
Classification: Benign for Malignant tumor of breast. Review status: no assertion criteria provided. Collection method: clinical testing. Allele origin: unknown. Affected: yes. Study: The Canadian Open Genetics Repository (COGR). Not counted in ClinVar's aggregate classification.
Comment: The CHEK2 p.Glu84Glu variant was identified in 80 of 2744 proband chromosomes (frequency: 0.03) from families with high risk of HBOC and/or Li-Fraumeni-like syndromes and was present in 43 of 1644 control chromosomes (frequency: 0.03) from healthy individuals (Ingvarsson 2002, Mohamad 2015, Novak 2008, Rashid 2013, Ruijs 2009, Sodha 2002, Staalesen 2004, Kilpivaara 2004, Bayasal 2004). In one study the variant co-occurred with a BRCA2 pathogenic variant (Ingvarsson 2002). The variant was also identified in dbSNP (ID: rs1805129) as â€šÃ„ÃºWith Likely benignâ€šÃ„Ã¹ allele, ClinVar (classified as benign by Ambry Genetics, Prevention Genetics, Counsyl, Color Genomics and Invitae; and likely benign by Illumina), Clinvitae (3x benign and 2x likely benign), Zhejiang Colon Cancer Database (7x) and was not identified in Cosmic database. The variant was identified in control databases in 9839 (265 homozygous) of 276942 chromosomes at a frequency of 0.04 (Genome Aggregation Consortium Feb 27, 2017), identified in the following populations at a frequency greater than 1%: East Asian in 1688 of 18848 chromosomes (freq: 0.09), Ashkenazi Jewish* in 864 of 10150 chromosomes (freq: 0.085), African in 1565 of 23956 chromosomes (freq: 0.065), South Asian in 1209 of 30778 chromosomes (freq: 0.039), Other in 201 of 6450 chromosomes (freq: 0.031), European (Finnish) in 733 of 25778 chromosomes (freq: 0.028), European (Non-Finnish) in 3152 of 126566 chromosomes (freq: 0.025), Latino in 427 of 34416 chromosomes (freq: 0.012) increasing the likelihood this could be a low frequency benign variant. The p.Glu84Glu variant is not expected to have clinical significance because it does not result in a change of amino acid and is not located in a known consensus splice site. In addition, in silico or computational prediction software programs (SpliceSiteFinder, MaxEntScan, NNSPLICE, GeneSplicer, HumanSpliceFinder) do not predict a difference in splicing. In summary, based on the above information this variant meets our laboratory's criteria to be classified as benign.

Genome Diagnostics Laboratory, Amsterdam University Medical Center
Classification: Benign. Review status: no assertion criteria provided. Collection method: clinical testing. Allele origin: germline. Affected: yes. Study: VKGL Data-share Consensus. Not counted in ClinVar's aggregate classification.

Joint Genome Diagnostic Labs from Nijmegen and Maastricht, Radboudumc and MUMC+
Classification: Benign. Review status: no assertion criteria provided. Collection method: clinical testing. Allele origin: germline. Affected: yes. Study: VKGL Data-share Consensus. Not counted in ClinVar's aggregate classification.

Laboratory of Diagnostic Genome Analysis, Leiden University Medical Center (LUMC)
Classification: Likely benign. Review status: no assertion criteria provided. Collection method: clinical testing. Allele origin: germline. Affected: yes. Study: VKGL Data-share Consensus. Not counted in ClinVar's aggregate classification.